The following is an entry in ClinVar:

ClinVar aggregate classification (germline): Likely benign (1 of 4 stars; one submission).

Allele frequency attached by ClinVar (database versions not stated): gnomAD exomes below 0.00001; ExAC 0.00004.
gnomAD v4.1: 2 of 1,576,136 alleles (0.00013%); highest among the groups gnomAD compares: Non-Finnish European, 0.00017%; no homozygotes.

Submission:

CeGaT Center for Human Genetics Tuebingen
Classification: Likely benign. Last evaluated: 2023-01-01. Review status: criteria provided, single submitter. Criteria: CeGaT Center For Human Genetics Tuebingen Variant Classification Criteria Version 2. Collection method: clinical testing. Allele origin: germline. Affected: yes. Observed: 1 variant allele.
Comment: SLC26A1: BP4, BP7

NM_022042.4(SLC26A1):c.1134G>A (p.Leu378=)

Genes: IDUA (alpha-L-iduronidase; plus strand), SLC26A1 (solute carrier family 26 member 1; minus strand). Cytogenetic location: 4p16.3.
Variant type: single nucleotide variant.
Coding change: c.1134G>A on transcript NM_022042.4 (MANE Select); coding-DNA position 1134, G replaced by A.
Protein change: p.Leu378=; no amino-acid change (leucine 378 retained).
Molecular consequence: synonymous variant. On other transcripts: intron variant (2).
Genome position (GRCh38, 1-based): chr4:989,805, C>T on the plus strand (G>A on the coding strand, the complement: SLC26A1 is on the minus strand). VCF-style: chr4-989805-C-T. GRCh37 (hg19) VCF-style: chr4-983593-C-T.
Other names: c.1134G>A, p.Leu378= (NM_213613.4); c.576+1323G>A (NM_134425.4); c.299+1856C>T (NM_000203.5).
Identifiers: ClinVar variation 2654535 (VCV002654535.24), dbSNP rs755522635, ClinGen allele CA2801456.
Genomic context (GRCh38, chr4:989,805, plus strand): 5'-GGCGGCGCTGGTGGCGAAGCAGTGGAGGAAGGCGGGTAGCACGTTGCAGCAGCCCACAGC[C>T]AGCAGCTCCTGGTTGGCACGCACAGAGTAGCCGTGACTGCGGGCGAACATCTCCGCCAGC-3'
Protein context (NP_071325.2, residues 368-388): GYSVRANQEL[Leu378=]AVGCCNVLPA